The following is an entry in ClinVar:

NM_032603.5(LOXL3):c.2134A>C (p.Lys712Gln)

Gene: LOXL3 (lysyl oxidase like 3; minus strand). Cytogenetic location: 2p13.1.
Variant type: single nucleotide variant.
Coding change: c.2134A>C on transcript NM_032603.5 (MANE Select); coding-DNA position 2134, A replaced by C.
Protein change: p.Lys712Gln; replaces lysine 712 with glutamine.
Molecular consequence: missense variant.
Genome position (GRCh38, 1-based): chr2:74,533,936, T>G on the plus strand (A>C on the coding strand, the complement: LOXL3 is on the minus strand). VCF-style: chr2-74533936-T-G. GRCh37 (hg19) VCF-style: chr2-74761063-T-G.
Other names: c.1699A>C, p.Lys567Gln (NM_001289164.3); c.1051A>C, p.Lys351Gln (NM_001289165.2); short protein forms K351Q, K567Q, K712Q.
Identifiers: ClinVar variation 1480995 (VCV001480995.6), dbSNP rs1251151886, ClinGen allele CA347384092.
Genomic context (GRCh38, chr2:74,533,936, plus strand): 5'-AAATACCAATGTGGCAGTTGTGCACCCAGATTCTATGTCCATCATATTTGCAGTTACATT[T>G]CATTGCATTGTTGGTAAAGTCACTCTCTGCTACTTCAAAGTTTGGGTTGATGACAACCTG-3'
Protein context (NP_115992.1, residues 702-722): AESDFTNNAM[Lys712Gln]CNCKYDGHRI

ClinVar aggregate classification (germline): Uncertain significance (1 of 4 stars; one submission).

Submission:

Labcorp Genetics (formerly Invitae), Labcorp
Classification: Uncertain significance. Last evaluated: 2022-06-27. Review status: criteria provided, single submitter. Criteria: Invitae Variant Classification Sherloc (09022015). Collection method: clinical testing. Allele origin: germline.
Comment: In summary, the available evidence is currently insufficient to determine the role of this variant in disease. Therefore, it has been classified as a Variant of Uncertain Significance. Algorithms developed to predict the effect of missense changes on protein structure and function are either unavailable or do not agree on the potential impact of this missense change (SIFT: "Deleterious"; PolyPhen-2: "Possibly Damaging"; Align-GVGD: "Class C0"). This variant has not been reported in the literature in individuals affected with LOXL3-related conditions. This variant is not present in population databases (gnomAD no frequency). This sequence change replaces lysine, which is basic and polar, with glutamine, which is neutral and polar, at codon 712 of the LOXL3 protein (p.Lys712Gln).